The following is an entry in ClinVar:

NM_003579.4(RAD54L):c.2162A>G (p.Gln721Arg)

Genes: LRRC41 (leucine rich repeat containing 41; minus strand), RAD54L (RAD54 like; plus strand). Cytogenetic location: 1p34.1.
Variant type: single nucleotide variant.
Coding change: c.2162A>G on transcript NM_003579.4 (MANE Select); coding-DNA position 2162, A replaced by G.
Protein change: p.Gln721Arg; replaces glutamine 721 with arginine.
Molecular consequence: missense variant. On other transcripts: 3 prime UTR variant (1).
Genome position (GRCh38, 1-based): chr1:46,278,200, A>G. VCF-style: chr1-46278200-A-G. GRCh37 (hg19) VCF-style: chr1-46743872-A-G.
Other names: c.*665T>C (NM_006369.5); c.2162A>G, p.Gln721Arg (NM_001142548.2); c.1622A>G, p.Gln541Arg (NM_001370766.1); short protein forms Q721R, Q541R.
Identifiers: ClinVar variation 2625173 (VCV002625173.2), dbSNP rs2525732309, ClinGen allele CA340191366.

ClinVar aggregate classification (germline): Uncertain significance (1 of 4 stars; one submission).

Submission:

Ambry Genetics
Classification: Uncertain significance. Last evaluated: 2023-09-07. Review status: criteria provided, single submitter. Criteria: Ambry Variant Classification Scheme 2023. Collection method: clinical testing. Allele origin: germline.
Comment: The p.Q721R variant (also known as c.2162A>G), located in coding exon 18 of the RAD54L gene, results from an A to G substitution at nucleotide position 2162. The glutamine at codon 721 is replaced by arginine, an amino acid with highly similar properties. This amino acid position is conserved. In addition, this alteration is predicted to be tolerated by in silico analysis. Since supporting evidence is limited at this time, the clinical significance of this alteration remains unclear.